The following is an entry in ClinVar:

ClinVar aggregate classification (germline): Likely benign. Review status: criteria provided, multiple submitters, no conflicts (2 of 4 stars). 3 submissions from 3 submitters: Likely benign (3). Last evaluated 2025-10-29.

Conditions:
Hereditary cancer-predisposing syndrome. Also called: Tumor predisposition; Neoplastic Syndromes, Hereditary; Hereditary neoplastic syndrome; Hereditary Cancer Syndrome. Identifiers: Orphanet 140162, MedGen C0027672, MeSH D009386, MONDO:0015356.
Hereditary breast ovarian cancer syndrome. Also called: Hereditary breast and ovarian cancer; Hereditary breast and ovarian cancer syndrome (HBOC); Breast and ovarian cancer; Hereditary breast and ovarian cancer syndrome; BRCA1- and BRCA2-Associated Hereditary Breast and Ovarian Cancer; Hereditary breast and/or ovarian cancer syndrome. Identifiers: Orphanet 145, MedGen C0677776, MeSH D061325, MONDO:0003582. Disease mechanism: loss of function.

Allele frequency attached by ClinVar (database versions not stated): gnomAD exomes below 0.00001 and 0.00001; gnomAD 0.00001; ExAC 0.00002; TOPMed 0.00002.

Submissions (3):

Labcorp Genetics (formerly Invitae), Labcorp
Classification: Likely benign for Hereditary breast ovarian cancer syndrome. Last evaluated: 2025-10-29. Review status: criteria provided, single submitter. Criteria: Invitae Variant Classification Sherloc (09022015). Collection method: clinical testing. Allele origin: germline.

Women's Health and Genetics/Laboratory Corporation of America, LabCorp
Classification: Likely benign. Last evaluated: 2024-12-18. Review status: criteria provided, single submitter. Criteria: LabCorp Variant Classification Summary - May 2015. Collection method: clinical testing. Allele origin: germline.
Comment: Variant summary: BRCA1 c.134+19dupT alters a nucleotide located at a position not widely known to affect splicing. Consensus agreement among computation tools predict no significant impact on normal splicing. However, these predictions have yet to be confirmed by functional studies. The variant allele was found at a frequency of 1.2e-05 in 248772 control chromosomes. The available data on variant occurrences in the general population are insufficient to allow any conclusion about variant significance. To our knowledge, no occurrence of c.134+19dupT in individuals affected with Hereditary Breast And Ovarian Cancer Syndrome and no experimental evidence demonstrating its impact on protein function have been reported. ClinVar contains an entry for this variant (Variation ID: 630596). Based on the evidence outlined above, the variant was classified as likely benign.

Color Diagnostics, LLC DBA Color Health
Classification: Likely benign for Hereditary cancer-predisposing syndrome. Last evaluated: 2018-02-23. Review status: criteria provided, single submitter. Criteria: ACMG Guidelines, 2015. Collection method: clinical testing. Allele origin: germline.

NM_007294.4(BRCA1):c.134+19dup

Gene: BRCA1 (BRCA1 DNA repair associated; minus strand). Cytogenetic location: 17q21.31.
Variant type: Duplication.
Coding change: c.134+19dup on transcript NM_007294.4 (MANE Select); 19 bases into the intron after coding-DNA position 134, one base duplicated (T; older notation c.134+19dupT).
Molecular consequence: intron variant.
Genome position (GRCh38, 1-based): chr17:43,115,707, A duplicated on the plus strand (T on the coding strand, the reverse complement: BRCA1 is on the minus strand). VCF-style (leftmost placement, unchanged base first): chr17-43115706-C-CA. GRCh37 (hg19) VCF-style: chr17-41267723-C-CA.
Other names: c.134+19dupT (NM_007294.3, NM_007294.4); c.134+19dup (NM_001408438.1, NM_001408430.1, NM_001407682.1 and 191 more transcripts); c.-171+19dup (NM_001408492.1, NM_001407889.1, NM_001407900.1); c.-124+19dup (NM_001408468.1, NM_001407842.1, NM_001407749.1 and 13 more transcripts); c.-8+19dup (NM_001408458.1, NM_001407846.1, NM_001408470.1 and 47 more transcripts); c.-219+9570dup (NM_001407967.1); c.-170+9570dup (NM_001407959.1); c.-7-9174dup (NM_001407931.1, NM_001407747.1, NM_001408511.1 and 2 more transcripts); and 11 more.
Identifiers: ClinVar variation 630596 (VCV000630596.15), dbSNP rs768647585, ClinGen allele CA8589967.